The following is an entry in ClinVar:

ClinVar aggregate classification (germline): Uncertain significance (1 of 4 stars; one submission).

Conditions:
Long QT syndrome (LQTS). Identifiers: MedGen C0023976, MeSH D008133, MONDO:0002442. Disease mechanism: loss of function. Inheritance: Various modes of inheritance.

gnomAD v4.1: 1 of 1,325,416 alleles (0.000075%); highest among the groups gnomAD compares: Non-Finnish European, 0.000096%; no homozygotes.

Submission:

Labcorp Genetics (formerly Invitae), Labcorp
Classification: Uncertain significance for Long QT syndrome. Last evaluated: 2019-01-22. Review status: criteria provided, single submitter. Criteria: Invitae Variant Classification Sherloc (09022015). Collection method: clinical testing. Allele origin: germline.
Comment: This sequence change replaces alanine with serine at codon 277 of the KCNH2 protein (p.Ala277Ser). The alanine residue is weakly conserved and there is a moderate physicochemical difference between alanine and serine. The frequency data for this variant in the population databases is considered unreliable, as metrics indicate insufficient coverage at this position in the ExAC database. This variant has not been reported in the literature in individuals with KCNH2-related conditions. Algorithms developed to predict the effect of missense changes on protein structure and function (SIFT, PolyPhen-2, Align-GVGD) all suggest that this variant is likely to be tolerated, but these predictions have not been confirmed by published functional studies and their clinical significance is uncertain. In summary, the available evidence is currently insufficient to determine the role of this variant in disease. Therefore, it has been classified as a Variant of Uncertain Significance.

NM_000238.4(KCNH2):c.829G>T (p.Ala277Ser)

Gene: KCNH2 (potassium voltage-gated channel subfamily H member 2; minus strand). Cytogenetic location: 7q36.1.
Variant type: single nucleotide variant.
Coding change: c.829G>T on transcript NM_000238.4 (MANE Select); coding-DNA position 829, G replaced by T.
Protein change: p.Ala277Ser; replaces alanine 277 with serine.
Molecular consequence: missense variant.
Genome position (GRCh38, 1-based): chr7:150,958,146, C>A on the plus strand (G>T on the coding strand, the complement: KCNH2 is on the minus strand). VCF-style: chr7-150958146-C-A. GRCh37 (hg19) VCF-style: chr7-150655234-C-A.
Other names: c.541G>T, p.Ala181Ser (NM_001406753.1, NM_001406756.1); c.652G>T, p.Ala218Ser (NM_001406755.1); c.529G>T, p.Ala177Ser (NM_001406757.1); c.829G>T, p.Ala277Ser (NM_172056.3); short protein forms A277S, A218S, A177S, A181S.
Identifiers: ClinVar variation 834430 (VCV000834430.3), dbSNP rs1801441796, ClinGen allele CA369862333.
Genomic context (GRCh38, chr7:150,958,146, plus strand): 5'-GCAGCACCCCGGCGCGCATGGCCTCGATGTCGTCGGCCGACGAGGCGCGGCGCACGCTGG[C>A]GCAGCTTTCTCGGGAGCGCGTCCGGGCCAGGCTGCAGCTGGAGCCCGAGGCGTCGGGGTT-3'
Protein context (NP_000229.1, residues 267-287): LARTRSRESC[Ala277Ser]SVRRASSADD